The following is an entry in ClinVar:

ClinVar aggregate classification (germline): Pathogenic/Likely pathogenic. Review status: criteria provided, multiple submitters, no conflicts (2 of 4 stars). 4 submissions from 4 submitters: Pathogenic (2); Likely pathogenic (2). Last evaluated 2024-01-08.

Conditions:
Premature ovarian failure 11 (POF11). Identifiers: MedGen C4310783, MONDO:0014843, OMIM 616946.
Age related macular degeneration 5. Identifiers: MedGen C3151063, MONDO:0013409, OMIM 613761.
Lung cancer. Also called: Malignant tumor of lung; Lung cancer, somatic. Identifiers: MedGen C0242379, MONDO:0008903, OMIM 211980.
DE SANCTIS-CACCHIONE SYNDROME. Identifiers: MedGen C0265201, MONDO:0010217, OMIM 278800.
UV-sensitive syndrome 1 (UVSS1). Identifiers: Orphanet 178338, MedGen C3551173, MONDO:0010909, OMIM 600630.
Cockayne syndrome type 2 (CSB). Also called: Cockayne Syndrome, Type II; COCKAYNE SYNDROME B. Identifiers: Orphanet 191, Orphanet 90322, MedGen C0751038, MONDO:0019570, OMIM 133540.
Cerebrooculofacioskeletal syndrome 1 (COFS1). Also called: Cerebro-oculo-facio-skeletal syndrome 1. Identifiers: MedGen C0220722, MONDO:0008955, OMIM 214150.
Cockayne syndrome. Identifiers: Orphanet 191, MedGen C0009207, MONDO:0016006.

Allele frequency attached by ClinVar (database versions not stated): ExAC 0.00001; gnomAD exomes 0.00001; gnomAD 0.00002.
gnomAD v4.1: 10 of 1,606,716 alleles (0.00062%); highest among the groups gnomAD compares: Non-Finnish European, 0.00085%; no homozygotes.

Submissions (5):

Labcorp Genetics (formerly Invitae), Labcorp
Classification: Likely pathogenic. Last evaluated: 2024-01-08. Review status: criteria provided, single submitter. Criteria: Invitae Variant Classification Sherloc (09022015). Collection method: clinical testing. Allele origin: germline.
Comment: This sequence change affects an acceptor splice site in intron 11 of the ERCC6 gene. RNA analysis indicates that disruption of this splice site induces altered splicing and likely results in a shortened protein product. This variant is present in population databases (rs754978734, gnomAD 0.003%). Disruption of this splice site has been observed in individuals with ERCC6-related conditions (PMID: 19894250, 29572252). ClinVar contains an entry for this variant (Variation ID: 551374). Studies have shown that disruption of this splice site results in skipping of exon 12, but is expected to preserve the integrity of the reading-frame (PMID: 19894250). In summary, the currently available evidence indicates that the variant is pathogenic, but additional data are needed to prove that conclusively. Therefore, this variant has been classified as Likely Pathogenic.

Women's Health and Genetics/Laboratory Corporation of America, LabCorp
Classification: Pathogenic for Cockayne syndrome. Last evaluated: 2024-01-08. Review status: criteria provided, single submitter. Criteria: LabCorp Variant Classification Summary - May 2015. Collection method: clinical testing. Allele origin: germline.
Comment: Variant summary: ERCC6 c.2287-2A>G is located in a canonical splice-site and is predicted to affect mRNA splicing resulting in a significantly altered protein due to either exon skipping, shortening, or inclusion of intronic material. Several computational tools predict a significant impact on normal splicing: four predict the variant abolishes a 3' acceptor site. At least one publication reports experimental evidence that this variant affects mRNA splicing (e.g., Laugel_2010). The variant allele was found at a frequency of 1.2e-05 in 250346 control chromosomes (gnomAD). The available data on variant occurrences in the general population are insufficient to allow any conclusion about variant significance. c.2287-2A>G has been reported in the literature in both homozygous and compound heterozygous individuals affected with Cockayne Syndrome (e.g., Laugel_2010, Calmels_2018). These data indicate that the variant is likely to be associated with disease. The following publications have been ascertained in the context of this evaluation (PMID: 29572252, 19894250). ClinVar contains an entry for this variant (Variation ID: 551374). Based on the evidence outlined above, the variant was classified as pathogenic.

Fulgent Genetics
Classification: Pathogenic for Cockayne syndrome type 2; Lung cancer; Cerebrooculofacioskeletal syndrome 1; DE SANCTIS-CACCHIONE SYNDROME; UV-sensitive syndrome 1; Age related macular degeneration 5; Premature ovarian failure 11. Last evaluated: 2022-02-23. Review status: criteria provided, single submitter. Criteria: ACMG Guidelines, 2015. Collection method: clinical testing. Allele origin: unknown.

Myriad Genetics, Inc.
Classification: Likely pathogenic for Cockayne syndrome type 2. Last evaluated: 2021-11-16. Review status: criteria provided, single submitter. Criteria: Myriad Women's Health Autosomal Recessive and X-Linked Classification Criteria (2021). Collection method: clinical testing. Allele origin: unknown.
Comment: NM_000124.2(ERCC6):c.2287-2A>G is a canonical splice variant classified as likely pathogenic in the context of ERCC6-related disorders. c.2287-2A>G has been observed in cases with relevant disease (PMID: 19894250, 29572252). Functional assessments of this variant are not available in the literature. c.2287-2A>G has been observed in population frequency databases (gnomAD: NFE 0.003%). In summary, NM_000124.2(ERCC6):c.2287-2A>G is a canonical splice variant that has been observed more frequently in cases with the relevant disease than in healthy populations. Please note: this variant was assessed in the context of healthy population screening.

Dr. Peter K. Rogan Lab, Western University
No classification provided (evidence only). Condition: Clear cell carcinoma of kidney. Review status: no classification provided. Collection method: in vitro. Allele origin: not applicable. Functional consequence: skipped exon. Not counted in ClinVar's aggregate classification.

Literature cited by the submitters: PubMed 19894250 (cited by 3 submitters); PubMed 29572252 (cited by 3 submitters).

NM_000124.4(ERCC6):c.2287-2A>G

Gene: ERCC6 (ERCC excision repair 6, chromatin remodeling factor; minus strand). Cytogenetic location: 10q11.23.
Variant type: single nucleotide variant.
Coding change: c.2287-2A>G on transcript NM_000124.4 (MANE Select); the canonical splice acceptor site of the intron before coding-DNA position 2287, A replaced by G.
Molecular consequence: splice acceptor variant.
Genome position (GRCh38, 1-based): chr10:49,476,312, T>C on the plus strand (A>G on the coding strand, the complement: ERCC6 is on the minus strand). VCF-style: chr10-49476312-T-C. GRCh37 (hg19) VCF-style: chr10-50684358-T-C.
Other names: c.2287-2A>G (NM_001346440.2).
Identifiers: ClinVar variation 551374 (VCV000551374.15), dbSNP rs754978734, ClinGen allele CA5495697.